The following is an entry in ClinVar:

NM_001378418.1(TCF20):c.4420A>G (p.Ser1474Gly)

Gene: TCF20 (transcription factor 20; minus strand). Cytogenetic location: 22q13.2.
Variant type: single nucleotide variant.
Coding change: c.4420A>G on transcript NM_001378418.1 (MANE Select); coding-DNA position 4420, A replaced by G.
Protein change: p.Ser1474Gly; replaces serine 1474 with glycine.
Molecular consequence: missense variant.
Genome position (GRCh38, 1-based): chr22:42,210,886, T>C on the plus strand (A>G on the coding strand, the complement: TCF20 is on the minus strand). VCF-style: chr22-42210886-T-C. GRCh37 (hg19) VCF-style: chr22-42606892-T-C.
Other names: c.4420A>G, p.Ser1474Gly (NM_005650.4, NM_181492.3); short protein forms S1474G.
Identifiers: ClinVar variation 4883810 (VCV004883810.2).

ClinVar aggregate classification (germline): Uncertain significance (1 of 4 stars; one submission).

Submission:

Dasa
Classification: Uncertain significance. Last evaluated: 2025-04-14. Review status: criteria provided, single submitter. Criteria: DASA Assertion Criteria. Collection method: clinical testing. Allele origin: germline.
Comment: NM_001378418.1(TCF20):c.4420A>G (p.Ser1474Gly) is a missense variant that results in the substitution of serine with glycine. This variant is absent from population databases. Computational prediction algorithms are consistent with a benign effect. The currently available literature and clinical evidence are not sufficient to establish a definitive association between this variant and the reported condition. Therefore, this variant is classified as a variant of uncertain significance.